The following is an entry in ClinVar:

ClinVar aggregate classification (germline): Uncertain significance (1 of 4 stars; one submission).

Conditions:
Inborn genetic diseases. Identifiers: MedGen C0950123, MeSH D030342.

Allele frequency attached by ClinVar (database versions not stated): gnomAD exomes below 0.00001; ExAC 0.00001.
gnomAD v4.1: 7 of 1,614,024 alleles (0.00043%); highest among the groups gnomAD compares: South Asian, 0.0022%; no homozygotes.

Submission:

Ambry Genetics
Classification: Uncertain significance for Inborn genetic diseases. Last evaluated: 2017-11-10. Review status: criteria provided, single submitter. Criteria: Ambry Variant Classification Scheme 2023. Collection method: clinical testing. Allele origin: germline.
Comment: The p.R222C variant (also known as c.664C>T), located in coding exon 8 of the ST3GAL3 gene, results from a C to T substitution at nucleotide position 664. The arginine at codon 222 is replaced by cysteine, an amino acid with highly dissimilar properties. This amino acid position is not well conserved in available vertebrate species. In addition, this alteration is predicted to be tolerated by in silico analysis. Since supporting evidence is limited at this time, the clinical significance of this alteration remains unclear.

NM_006279.5(ST3GAL3):c.664C>T (p.Arg222Cys)

Gene: ST3GAL3 (ST3 beta-galactoside alpha-2,3-sialyltransferase 3; plus strand). Cytogenetic location: 1p34.1.
Variant type: single nucleotide variant.
Coding change: c.664C>T on transcript NM_006279.5 (MANE Select); coding-DNA position 664, C replaced by T.
Protein change: p.Arg222Cys; replaces arginine 222 with cysteine.
Molecular consequence: missense variant. On other transcripts: non-coding transcript variant (5), intron variant (7).
Genome position (GRCh38, 1-based): chr1:43,899,647, C>T. VCF-style: chr1-43899647-C-T. GRCh37 (hg19) VCF-style: chr1-44365319-C-T.
Other names: c.664C>T, p.Arg222Cys (NM_001270459.2, NM_001350620.2, NM_174966.4); c.571C>T, p.Arg191Cys (NM_001270460.2); c.616C>T, p.Arg206Cys (NM_001270461.3, NM_001410781.1, NM_174969.4); c.523C>T, p.Arg175Cys (NM_001270462.3); c.709C>T, p.Arg237Cys (NM_001350619.2, NM_174964.4); c.385C>T, p.Arg129Cys (NM_001350621.2); c.826C>T, p.Arg276Cys (NM_001363573.2, NM_174968.5); c.871C>T, p.Arg291Cys (NM_174963.5); and 8 more; short protein forms R191C, R237C, R291C, R129C, R175C, R206C, R222C, R260C.
Identifiers: ClinVar variation 1754684 (VCV001754684.2), dbSNP rs199908871, ClinGen allele CA814772.